The following is an entry in ClinVar:

ClinVar aggregate classification (germline): Uncertain significance (1 of 4 stars; one submission).

Allele frequency attached by ClinVar (database versions not stated): gnomAD 0.00001; TOPMed 0.00003; gnomAD exomes 0.00004 and 0.00005; ExAC 0.00005; ESP Exome Variant Server 0.00008.
gnomAD v4.1: 60 of 1,601,076 alleles (0.0037%); highest among the groups gnomAD compares: Middle Eastern, 0.016%; no homozygotes.

Submissions (2):

Labcorp Genetics (formerly Invitae), Labcorp
Classification: Uncertain significance. Last evaluated: 2024-10-07. Review status: criteria provided, single submitter. Criteria: Invitae Variant Classification Sherloc (09022015). Collection method: clinical testing. Allele origin: germline.
Comment: This sequence change falls in intron 6 of the ORC6 gene. It does not directly change the encoded amino acid sequence of the ORC6 protein. It affects a nucleotide within the consensus splice site. This variant is present in population databases (rs369537126, gnomAD 0.01%). This variant has not been reported in the literature in individuals affected with ORC6-related conditions. ClinVar contains an entry for this variant (Variation ID: 1349923). Variants that disrupt the consensus splice site are a relatively common cause of aberrant splicing (PMID: 17576681, 9536098). Algorithms developed to predict the effect of sequence changes on RNA splicing suggest that this variant may disrupt the consensus splice site. In summary, the available evidence is currently insufficient to determine the role of this variant in disease. Therefore, it has been classified as a Variant of Uncertain Significance.

Dr. Peter K. Rogan Lab, Western University
No classification provided (evidence only). Condition: Sarcoma. Review status: no classification provided. Collection method: in vitro. Allele origin: not applicable. Functional consequence: skipped exon, retained intron. Not counted in ClinVar's aggregate classification.

Literature cited by the submitters: PubMed 17576681 (cited by Labcorp Genetics (formerly Invitae), Labcorp); PubMed 9536098 (cited by Labcorp Genetics (formerly Invitae), Labcorp).

NM_014321.4(ORC6):c.631+6T>G

Gene: ORC6 (origin recognition complex subunit 6; plus strand). Cytogenetic location: 16q11.2.
Variant type: single nucleotide variant.
Coding change: c.631+6T>G on transcript NM_014321.4 (MANE Select); 6 bases into the intron after coding-DNA position 631, T replaced by G.
Molecular consequence: intron variant.
Genome position (GRCh38, 1-based): chr16:46,696,091, T>G. VCF-style: chr16-46696091-T-G. GRCh37 (hg19) VCF-style: chr16-46730003-T-G.
Identifiers: ClinVar variation 1349923 (VCV001349923.7), dbSNP rs369537126, ClinGen allele CA8037450.